The following is an entry in ClinVar:

ClinVar aggregate classification (germline): Conflicting classifications of pathogenicity. Review status: criteria provided, conflicting classifications (1 of 4 stars). 3 submissions from 3 submitters: Uncertain significance (1); Likely benign (1). 1 of the submissions does not count toward it. Last evaluated 2026-02-01.

Conditions:
KANK1-related disorder. Also called: KANK1-related condition.

Allele frequency attached by ClinVar (database versions not stated): TOPMed 0.00004; gnomAD 0.00006 and 0.00013; gnomAD exomes 0.00029; ExAC 0.00038; 1000 Genomes Project 0.00060; 1000 Genomes Project 30x 0.00062.
gnomAD v4.1: 276 of 1,613,664 alleles (0.017%); highest among the groups gnomAD compares: South Asian, 0.2%; 1 homozygote.

Submissions (3):

Labcorp Genetics (formerly Invitae), Labcorp
Classification: Likely benign. Last evaluated: 2026-02-01. Review status: criteria provided, single submitter. Criteria: Invitae Variant Classification Sherloc (09022015). Collection method: clinical testing. Allele origin: germline.

Eurofins Ntd Llc (ga)
Classification: Uncertain significance. Last evaluated: 2017-05-30. Review status: criteria provided, single submitter. Criteria: EGL Classification Definitions 2015. Collection method: clinical testing. Allele origin: germline. Observed: 1 variant allele, 1 heterozygote.

PreventionGenetics, part of Exact Sciences
Classification: Likely benign for KANK1-related condition. Last evaluated: 2022-07-21. Review status: no assertion criteria provided. Collection method: clinical testing. Allele origin: germline. Not counted in ClinVar's aggregate classification.
Comment: This variant is classified as likely benign based on ACMG/AMP sequence variant interpretation guidelines (Richards et al. 2015 PMID: 25741868, with internal and published modifications).

NM_015158.5(KANK1):c.95T>C (p.Phe32Ser)

Gene: KANK1 (KN motif and ankyrin repeat domains 1; plus strand). Cytogenetic location: 9p24.3.
Variant type: single nucleotide variant.
Coding change: c.95T>C on transcript NM_015158.5 (MANE Select); coding-DNA position 95, T replaced by C.
Protein change: p.Phe32Ser; replaces phenylalanine 32 with serine.
Molecular consequence: missense variant. On other transcripts: 5 prime UTR variant (12), non-coding transcript variant (1).
Genome position (GRCh38, 1-based): chr9:710,861, T>C. VCF-style: chr9-710861-T-C. GRCh37 (hg19) VCF-style: chr9-710861-T-C.
Other names: c.-380T>C (NM_001354336.2, NM_001354337.2, NM_001354338.2 and 9 more transcripts); c.95T>C (NM_015158.3); c.95T>C, p.Phe32Ser (NM_001256876.3, NM_001256877.3, NM_001354331.2 and 2 more transcripts); short protein forms F32S.
Identifiers: ClinVar variation 502289 (VCV000502289.14), dbSNP rs183362306, ClinGen allele CA4959843.